The following is an entry in ClinVar:

ClinVar aggregate classification (germline): Pathogenic (1 of 4 stars; one submission).

Conditions:
Spastic paraplegia. Identifiers: MedGen C0037772, HP:0001258.

Submission:

Labcorp Genetics (formerly Invitae), Labcorp
Classification: Pathogenic for Spastic paraplegia. Last evaluated: 2026-01-24. Review status: criteria provided, single submitter. Criteria: Invitae Variant Classification Sherloc (09022015). Collection method: clinical testing. Allele origin: germline.
Comment: This sequence change creates a premature translational stop signal (p.Ile2927Tyrfs*3) in the SACS gene. While this is not anticipated to result in nonsense mediated decay, it is expected to disrupt the last 1653 amino acid(s) of the SACS protein. This variant is not present in population databases (gnomAD no frequency). This variant has not been reported in the literature in individuals affected with SACS-related conditions. This variant disrupts a region of the SACS protein in which other variant(s) (p.Asn4549Asp) have been determined to be pathogenic (PMID: 15156359, 21507954). This suggests that this is a clinically significant region of the protein, and that variants that disrupt it are likely to be disease-causing. For these reasons, this variant has been classified as Pathogenic.

Literature cited by the submitters: PubMed 15156359; PubMed 21507954.

NM_014363.6(SACS):c.8779del (p.Ile2927fs)

Gene: SACS (sacsin molecular chaperone; minus strand). Cytogenetic location: 13q12.12.
Variant type: Deletion.
Coding change: c.8779del on transcript NM_014363.6 (MANE Select); coding-DNA position 8779, one base deleted (A; older notation c.8779delA).
Protein change: p.Ile2927fs; shifts the reading frame from isoleucine 2927.
Molecular consequence: frameshift variant.
Genome position (GRCh38, 1-based): chr13:23,335,097, T deleted on the plus strand (A on the coding strand, the reverse complement: SACS is on the minus strand); the first of 2 consecutive T bases (chr13:23,335,097-23,335,098); deleting either gives the same sequence. VCF-style (leftmost placement, unchanged base first): chr13-23335096-AT-A. GRCh37 (hg19) VCF-style: chr13-23909235-AT-A.
Other names: c.8338del, p.Ile2780fs (NM_001278055.2); c.8806del, p.Ile2936fs (NM_001437336.1); short protein forms I2936fs, I2780fs, I2927fs.
Identifiers: ClinVar variation 4735699 (VCV004735699.1).
Genomic context (GRCh38, chr13:23,335,096, plus strand): 5'-GTGTTCTGTAACACTGATAATGTTGGATCAGAACCAGGGAAATACCGTTTTTTTAACTGT[AT>A]TAGCAATTCAACATATGCAGGAGCTATTAATGCTGTCATTAAACTGTTATTCCAGTCACT-3'